The following is an entry in ClinVar:

NM_000090.4(COL3A1):c.1771G>T (p.Gly591Cys)

Gene: COL3A1 (collagen type III alpha 1 chain; plus strand). Cytogenetic location: 2q32.2.
Variant type: single nucleotide variant.
Coding change: c.1771G>T on transcript NM_000090.4 (MANE Select); coding-DNA position 1771, G replaced by T.
Protein change: p.Gly591Cys; replaces glycine 591 with cysteine.
Molecular consequence: missense variant.
Genome position (GRCh38, 1-based): chr2:188,997,174, G>T. VCF-style: chr2-188997174-G-T. GRCh37 (hg19) VCF-style: chr2-189861900-G-T.
Other names: short protein forms G591C.
Identifiers: ClinVar variation 2763894 (VCV002763894.3), dbSNP rs2469137653, ClinGen allele CA349853210.

ClinVar aggregate classification (germline): Likely pathogenic (1 of 4 stars; one submission).

Conditions:
Ehlers-Danlos syndrome, type 4 (EDSVASC). Also called: Ehlers-Danlos Syndrome Type IV; Ehlers-Danlos syndrome vascular type; Ehlers Danlos syndrome, ecchymotic type; Ehlers Danlos syndrome, arterial type; Ehlers Danlos syndrome, Sack-Barabas type. Identifiers: Orphanet 286, MedGen C0268338, MONDO:0017314, OMIM 130050.

Allele frequency attached by ClinVar (database versions not stated): gnomAD exomes below 0.00001.
gnomAD v4.1: 1 of 1,613,910 alleles (0.000062%); highest among the groups gnomAD compares: Non-Finnish European, 0.000085%; no homozygotes.

Submission:

Labcorp Genetics (formerly Invitae), Labcorp
Classification: Likely pathogenic for Ehlers-Danlos syndrome, type 4. Last evaluated: 2025-02-11. Review status: criteria provided, single submitter. Criteria: Invitae Variant Classification Sherloc (09022015). Collection method: clinical testing. Allele origin: germline.
Comment: This sequence change replaces glycine, which is neutral and non-polar, with cysteine, which is neutral and slightly polar, at codon 591 of the COL3A1 protein (p.Gly591Cys). This variant is not present in population databases (gnomAD no frequency). This missense change has been observed in individual(s) with clinical features of vascular Ehlers-Danlos syndrome (internal data). ClinVar contains an entry for this variant (Variation ID: 2763894). Invitae Evidence Modeling of protein sequence and biophysical properties (such as structural, functional, and spatial information, amino acid conservation, physicochemical variation, residue mobility, and thermodynamic stability) indicates that this missense variant is expected to disrupt COL3A1 protein function with a positive predictive value of 95%. This variant disrupts the triple helix domain of COL3A1. Glycine residues within the Gly-Xaa-Yaa repeats of the triple helix domain are required for the structure and stability of fibrillar collagens (PMID: 7695699, 8218237, 19344236). In COL3A1, variants that affect these glycine residues are significantly enriched in individuals with disease (PMID: 24922459, 25758994) compared to the general population (ExAC). In summary, the currently available evidence indicates that the variant is pathogenic, but additional data are needed to prove that conclusively. Therefore, this variant has been classified as Likely Pathogenic.

Literature cited by the submitters: PubMed 7695699; PubMed 8218237; PubMed 19344236; PubMed 24922459; PubMed 25758994.